The following is an entry in ClinVar:

ClinVar aggregate classification (germline): Uncertain significance (1 of 4 stars; one submission).

Allele frequency attached by ClinVar (database versions not stated): ExAC 0.00001; gnomAD 0.00001.
gnomAD v4.1: 3 of 1,613,626 alleles (0.00019%); highest among the groups gnomAD compares: Admixed American, 0.005%; no homozygotes.

Submission:

GeneDx
Classification: Uncertain significance. Last evaluated: 2023-05-19. Review status: criteria provided, single submitter. Criteria: GeneDx Variant Classification Process June 2021. Collection method: clinical testing. Allele origin: germline. Affected: yes.
Comment: Not observed at significant frequency in large population cohorts (gnomAD); Missense variant in a gene in which most reported pathogenic variants are truncating/loss-of-function; Has not been previously published as pathogenic or benign to our knowledge; This variant is associated with the following publications: (PMID: 23975875)

NM_001267550.2(TTN):c.86953G>A (p.Gly28985Arg)

Genes: TTN (titin; minus strand), TTN-AS1 (TTN antisense RNA 1; plus strand). Cytogenetic location: 2q31.2.
Variant type: single nucleotide variant.
Coding change: c.86953G>A on transcript NM_001267550.2 (MANE Select); coding-DNA position 86953, G replaced by A.
Protein change: p.Gly28985Arg; replaces glycine 28985 with arginine.
Molecular consequence: missense variant.
Genome position (GRCh38, 1-based): chr2:178,558,506, C>T on the plus strand (G>A on the coding strand, the complement: TTN is on the minus strand). VCF-style: chr2-178558506-C-T. GRCh37 (hg19) VCF-style: chr2-179423233-C-T.
Other names: c.82030G>A, p.Gly27344Arg (NM_001256850.1); c.59758G>A, p.Gly19920Arg (NM_003319.4); c.79249G>A, p.Gly26417Arg (NM_133378.4); c.60133G>A, p.Gly20045Arg (NM_133432.3); c.60334G>A, p.Gly20112Arg (NM_133437.4); short protein forms G19920R, G20045R, G20112R, G26417R, G27344R, G28985R.
Identifiers: ClinVar variation 2504176 (VCV002504176.1), dbSNP rs748946057, ClinGen allele CA1988402.